The following is an entry in ClinVar:

ClinVar aggregate classification (germline): Conflicting classifications of pathogenicity. Review status: criteria provided, conflicting classifications (1 of 4 stars). 3 submissions from 3 submitters: Uncertain significance (2); Likely benign (1). Last evaluated 2026-02-12.

Conditions:
Cardiovascular phenotype. Identifiers: MedGen CN230736.

Allele frequency attached by ClinVar (database versions not stated): TOPMed 0.00001.
gnomAD v4.1: 1 of 1,572,024 alleles (0.000064%); highest among the groups gnomAD compares: African/African-American, 0.0014%; no homozygotes.

Submissions (3):

Ambry Genetics
Classification: Likely benign for Cardiovascular phenotype. Last evaluated: 2026-02-12. Review status: criteria provided, single submitter. Criteria: Ambry Variant Classification Scheme 2023. Collection method: clinical testing. Allele origin: germline.

Labcorp Genetics (formerly Invitae), Labcorp
Classification: Uncertain significance. Last evaluated: 2025-11-01. Review status: criteria provided, single submitter. Criteria: Invitae Variant Classification Sherloc (09022015). Collection method: clinical testing. Allele origin: germline.
Comment: This sequence change replaces threonine, which is neutral and polar, with alanine, which is neutral and non-polar, at codon 1392 of the ALPK3 protein (p.Thr1392Ala). This variant is not present in population databases (gnomAD no frequency). This variant has not been reported in the literature in individuals affected with ALPK3-related conditions. ClinVar contains an entry for this variant (Variation ID: 1946045). Invitae Evidence Modeling of protein sequence and biophysical properties (such as structural, functional, and spatial information, amino acid conservation, physicochemical variation, residue mobility, and thermodynamic stability) has been performed for this missense variant. However, the output from this modeling did not meet the statistical confidence thresholds required to predict the impact of this variant on ALPK3 protein function. In summary, the available evidence is currently insufficient to determine the role of this variant in disease. Therefore, it has been classified as a Variant of Uncertain Significance.

GeneDx
Classification: Uncertain significance. Last evaluated: 2024-05-07. Review status: criteria provided, single submitter. Criteria: GeneDx Variant Classification Process June 2021. Collection method: clinical testing. Allele origin: germline. Affected: yes.
Comment: Not observed at significant frequency in large population cohorts (gnomAD); In silico analysis indicates that this missense variant does not alter protein structure/function; Has not been previously published as pathogenic or benign to our knowledge

NM_020778.5(ALPK3):c.3568A>G (p.Thr1190Ala)

Gene: ALPK3 (alpha kinase 3; plus strand). Cytogenetic location: 15q25.3.
Variant type: single nucleotide variant.
Coding change: c.3568A>G on transcript NM_020778.5 (MANE Select); coding-DNA position 3568, A replaced by G.
Protein change: p.Thr1190Ala; replaces threonine 1190 with alanine.
Molecular consequence: missense variant.
Genome position (GRCh38, 1-based): chr15:84,858,306, A>G. VCF-style: chr15-84858306-A-G. GRCh37 (hg19) VCF-style: chr15-85401537-A-G.
Other names: c.4174A>G (NM_020778.4); short protein forms T1190A.
Identifiers: ClinVar variation 1946045 (VCV001946045.7), dbSNP rs942995582, ClinGen allele CA393360531.